The following is an entry in ClinVar:

ClinVar aggregate classification (germline): Uncertain significance (1 of 4 stars; one submission).

Submission:

Labcorp Genetics (formerly Invitae), Labcorp
Classification: Uncertain significance. Last evaluated: 2023-04-24. Review status: criteria provided, single submitter. Criteria: Invitae Variant Classification Sherloc (09022015). Collection method: clinical testing. Allele origin: germline.
Comment: This sequence change replaces cysteine, which is neutral and slightly polar, with tryptophan, which is neutral and slightly polar, at codon 660 of the FLNB protein (p.Cys660Trp). This variant is not present in population databases (gnomAD no frequency). This variant has not been reported in the literature in individuals affected with FLNB-related conditions. Advanced modeling of protein sequence and biophysical properties (such as structural, functional, and spatial information, amino acid conservation, physicochemical variation, residue mobility, and thermodynamic stability) performed at Invitae indicates that this missense variant is not expected to disrupt FLNB protein function. In summary, the available evidence is currently insufficient to determine the role of this variant in disease. Therefore, it has been classified as a Variant of Uncertain Significance.

NM_001457.4(FLNB):c.1980C>G (p.Cys660Trp)

Gene: FLNB (filamin B; plus strand). Cytogenetic location: 3p14.3.
Variant type: single nucleotide variant.
Coding change: c.1980C>G on transcript NM_001457.4 (MANE Select); coding-DNA position 1980, C replaced by G.
Protein change: p.Cys660Trp; replaces cysteine 660 with tryptophan.
Molecular consequence: missense variant.
Genome position (GRCh38, 1-based): chr3:58,108,496, C>G. VCF-style: chr3-58108496-C-G. GRCh37 (hg19) VCF-style: chr3-58094223-C-G.
Other names: c.1980C>G, p.Cys660Trp (NM_001164317.2, NM_001164318.2, NM_001164319.2); short protein forms C660W.
Identifiers: ClinVar variation 2858920 (VCV002858920.3), dbSNP rs758836607, ClinGen allele CA353342146.